The following is an entry in ClinVar:

NM_001110556.2(FLNA):c.2894T>C (p.Val965Ala)

Gene: FLNA (filamin A; minus strand). Cytogenetic location: Xq28.
Variant type: single nucleotide variant.
Coding change: c.2894T>C on transcript NM_001110556.2 (MANE Select); coding-DNA position 2894, T replaced by C.
Protein change: p.Val965Ala; replaces valine 965 with alanine.
Molecular consequence: missense variant.
Genome position (GRCh38, 1-based): chrX:154,361,720, A>G on the plus strand (T>C on the coding strand, the complement: FLNA is on the minus strand). VCF-style: chrX-154361720-A-G. GRCh37 (hg19) VCF-style: chrX-153590088-A-G.
Other names: c.2894T>C, p.Val965Ala (NM_001456.4); short protein forms V965A.
Identifiers: ClinVar variation 1346829 (VCV001346829.8), dbSNP rs2067712757, ClinGen allele CA415231562.

ClinVar aggregate classification (germline): Uncertain significance (1 of 4 stars; one submission).

Conditions:
Heterotopia, periventricular, X-linked dominant (PVNH1). Also called: PERIVENTRICULAR NODULAR HETEROTOPIA 1; X-linked periventricular heterotopia; PERIVENTRICULAR NODULAR HETEROTOPIA 4; HETEROTOPIA, PERIVENTRICULAR, 1. Identifiers: Orphanet 2149, Orphanet 82004, MedGen C1848213, MONDO:0010233, OMIM 300049.
Oto-palato-digital syndrome, type II (OPD2). Also called: OPD II SYNDROME; Otopalatodigital Syndrome, Type II; Otopalatodigital Syndrome Type 2 (FLNA-OPD2); FACIOPALATOOSSEOUS SYNDROME. Identifiers: Orphanet 669, Orphanet 90652, MedGen C1844696, MONDO:0010571, OMIM 304120.
Melnick-Needles syndrome (MNS). Also called: MELNICK-NEEDLES OSTEODYSPLASTY; OSTEODYSPLASTY OF MELNICK AND NEEDLES; Melnick-Needles Syndrome (FLNA-MNS). Identifiers: Orphanet 2484, MedGen C0025237, MONDO:0010650, OMIM 309350.
Frontometaphyseal dysplasia (FMD1). Identifiers: Orphanet 1826, MedGen C0265293, MONDO:0015942.

Allele frequency attached by ClinVar (database versions not stated): TOPMed below 0.00001; gnomAD 0.00001.
gnomAD v4.1: 1 of 1,208,835 alleles (0.000083%); highest among the groups gnomAD compares: Non-Finnish European, 0.00011%; no homozygotes.

Submission:

Labcorp Genetics (formerly Invitae), Labcorp
Classification: Uncertain significance for Oto-palato-digital syndrome, type II; Heterotopia, periventricular, X-linked dominant; Frontometaphyseal dysplasia; Melnick-Needles syndrome. Last evaluated: 2021-05-19. Review status: criteria provided, single submitter. Criteria: Invitae Variant Classification Sherloc (09022015). Collection method: clinical testing. Allele origin: germline.
Comment: In summary, the available evidence is currently insufficient to determine the role of this variant in disease. Therefore, it has been classified as a Variant of Uncertain Significance. Advanced modeling of protein sequence and biophysical properties (such as structural, functional, and spatial information, amino acid conservation, physicochemical variation, residue mobility, and thermodynamic stability) performed at Invitae indicates that this missense variant is not expected to disrupt FLNA protein function. This variant has not been reported in the literature in individuals with FLNA-related conditions. This variant is not present in population databases (ExAC no frequency). This sequence change replaces valine with alanine at codon 965 of the FLNA protein (p.Val965Ala). The valine residue is highly conserved and there is a small physicochemical difference between valine and alanine.